The following is an entry in ClinVar:

NM_012254.3(SLC27A5):c.2018G>A (p.Arg673Gln)

Gene: SLC27A5 (solute carrier family 27 member 5; minus strand). Cytogenetic location: 19q13.43.
Variant type: single nucleotide variant.
Coding change: c.2018G>A on transcript NM_012254.3 (MANE Select); coding-DNA position 2018, G replaced by A.
Protein change: p.Arg673Gln; replaces arginine 673 with glutamine.
Molecular consequence: missense variant.
Genome position (GRCh38, 1-based): chr19:58,498,570, C>T on the plus strand (G>A on the coding strand, the complement: SLC27A5 is on the minus strand). VCF-style: chr19-58498570-C-T. GRCh37 (hg19) VCF-style: chr19-59009937-C-T.
Other names: c.1766G>A, p.Arg589Gln (NM_001321196.2); short protein forms R589Q, R673Q.
Identifiers: ClinVar variation 2636023 (VCV002636023.3), dbSNP rs146415600, ClinGen allele CA9717741.

ClinVar aggregate classification (germline): Conflicting classifications of pathogenicity. Review status: criteria provided, conflicting classifications (1 of 4 stars). 2 submissions from 2 submitters: Uncertain significance (1); Likely benign (1). Last evaluated 2025-09-29.

Conditions:
SLC27A5-related disorder. Also called: SLC27A5-related condition.

Allele frequency attached by ClinVar (database versions not stated): ExAC 0.00002; gnomAD 0.00002; gnomAD exomes 0.00003; TOPMed 0.00003; ESP Exome Variant Server 0.00008.
gnomAD v4.1: 41 of 1,613,938 alleles (0.0025%); highest among the groups gnomAD compares: Middle Eastern, 0.033%; no homozygotes.

Submissions (2):

PreventionGenetics, part of Exact Sciences
Classification: Uncertain significance for SLC27A5-related condition. Last evaluated: 2025-09-29. Review status: criteria provided, single submitter. Criteria: ACMG Guidelines, 2015. Collection method: clinical testing. Allele origin: germline.
Comment: The SLC27A5 c.2018G>A variant is predicted to result in the amino acid substitution p.Arg673Gln. To our knowledge, this variant has not been reported in the literature. This variant is reported in 0.0065% of alleles in individuals of South Asian descent in gnomAD. At this time, the clinical significance of this variant is uncertain due to the absence of conclusive functional and genetic evidence.

Ambry Genetics
Classification: Likely benign. Last evaluated: 2022-05-18. Review status: criteria provided, single submitter. Criteria: Ambry Variant Classification Scheme 2023. Collection method: clinical testing. Allele origin: germline.